The following is an entry in ClinVar:

ClinVar aggregate classification (germline): Uncertain significance (1 of 4 stars; one submission).

Conditions:
Duchenne muscular dystrophy (DMD). Also called: MUSCULAR DYSTROPHY, PSEUDOHYPERTROPHIC PROGRESSIVE, DUCHENNE TYPE; Duchenne Muscular Dystrophy (DMD). Identifiers: Orphanet 98896, MedGen C0013264, MONDO:0010679, OMIM 310200.

gnomAD v4.1: 2 of 1,211,596 alleles (0.00017%); highest among the groups gnomAD compares: Non-Finnish European, 0.00011%; no homozygotes.

Submission:

Labcorp Genetics (formerly Invitae), Labcorp
Classification: Uncertain significance for Duchenne muscular dystrophy. Last evaluated: 2024-09-15. Review status: criteria provided, single submitter. Criteria: Invitae Variant Classification Sherloc (09022015). Collection method: clinical testing. Allele origin: germline.
Comment: This sequence change replaces lysine, which is basic and polar, with glutamic acid, which is acidic and polar, at codon 619 of the DMD protein (p.Lys619Glu). This variant is not present in population databases (gnomAD no frequency). This variant has not been reported in the literature in individuals affected with DMD-related conditions. Invitae Evidence Modeling of protein sequence and biophysical properties (such as structural, functional, and spatial information, amino acid conservation, physicochemical variation, residue mobility, and thermodynamic stability) indicates that this missense variant is not expected to disrupt DMD protein function with a negative predictive value of 95%. In summary, the available evidence is currently insufficient to determine the role of this variant in disease. Therefore, it has been classified as a Variant of Uncertain Significance.

NM_004006.3(DMD):c.1855A>G (p.Lys619Glu)

Gene: DMD (dystrophin; minus strand). Cytogenetic location: Xp21.1.
Variant type: single nucleotide variant.
Coding change: c.1855A>G on transcript NM_004006.3 (MANE Select); coding-DNA position 1855, A replaced by G.
Protein change: p.Lys619Glu; replaces lysine 619 with glutamic acid.
Molecular consequence: missense variant.
Genome position (GRCh38, 1-based): chrX:32,565,839, T>C on the plus strand (A>G on the coding strand, the complement: DMD is on the minus strand). VCF-style: chrX-32565839-T-C. GRCh37 (hg19) VCF-style: chrX-32583956-T-C.
Other names: c.1831A>G, p.Lys611Glu (NM_000109.4); c.1843A>G, p.Lys615Glu (NM_004009.3); c.1486A>G, p.Lys496Glu (NM_004010.3); short protein forms K496E, K611E, K615E, K619E.
Identifiers: ClinVar variation 3685836 (VCV003685836.2).